The following is an entry in ClinVar:

NM_024893.3(SYNDIG1):c.-79+1G>A

Gene: SYNDIG1 (synapse differentiation inducing 1; plus strand). Cytogenetic location: 20p11.21.
Variant type: single nucleotide variant.
Coding change: c.-79+1G>A on transcript NM_024893.3 (MANE Select); the canonical splice donor site of the intron after 79 bases upstream of the start codon, G replaced by A.
Molecular consequence: splice donor variant.
Genome position (GRCh38, 1-based): chr20:24,469,754, G>A. VCF-style: chr20-24469754-G-A. GRCh37 (hg19) VCF-style: chr20-24450390-G-A.
Other names: c.-968+1G>A (NM_001323606.2).
Identifiers: ClinVar variation 4852719 (VCV004852719.2).
Genomic context (GRCh38, chr20:24,469,754, plus strand): 5'-CGCTCGGGAGAGTCGCGGGCGGCCGCTTGGGCGCACTTGCCGGGTCACCTTGTCCCGGAG[G>A]TAAGTCCAGACCTCCCGGCCGCGGGGGCGGGCGGAGGGGCCCGCAGTGGGCGGGGTCGCG-3'

ClinVar aggregate classification (germline): Uncertain significance (1 of 4 stars; one submission).

Submission:

Dasa
Classification: Uncertain significance. Last evaluated: 2025-07-08. Review status: criteria provided, single submitter. Criteria: DASA Assertion Criteria. Collection method: clinical testing. Allele origin: germline.
Comment: NM_024893.3(SYNDIG1):c.-79+1G>A is an intronic variant. This variant is rare in population databases. Computational prediction algorithms are consistent with a deleterious effect. The currently available literature and clinical evidence are not sufficient to establish a definitive association between this variant and the reported condition. Therefore, this variant is classified as a variant of uncertain significance.